The following is an entry in ClinVar:

NM_001352754.2(ARMC9):c.460G>A (p.Val154Ile)

Gene: ARMC9 (armadillo repeat containing 9; plus strand). Cytogenetic location: 2q37.1.
Variant type: single nucleotide variant.
Coding change: c.460G>A on transcript NM_001352754.2 (MANE Select); coding-DNA position 460, G replaced by A.
Protein change: p.Val154Ile; replaces valine 154 with isoleucine.
Molecular consequence: missense variant. On other transcripts: non-coding transcript variant (1).
Genome position (GRCh38, 1-based): chr2:231,216,749, G>A. VCF-style: chr2-231216749-G-A. GRCh37 (hg19) VCF-style: chr2-232081462-G-A.
Other names: c.460G>A, p.Val154Ile (NM_001271466.4, NM_001291656.2, NM_001352755.2 and 5 more transcripts); short protein forms V154I.
Identifiers: ClinVar variation 1380738 (VCV001380738.6), dbSNP rs2125324133, ClinGen allele CA350947222.

ClinVar aggregate classification (germline): Uncertain significance (1 of 4 stars; one submission).

Submission:

Labcorp Genetics (formerly Invitae), Labcorp
Classification: Uncertain significance. Last evaluated: 2021-09-21. Review status: criteria provided, single submitter. Criteria: Invitae Variant Classification Sherloc (09022015). Collection method: clinical testing. Allele origin: germline.
Comment: This variant is not present in population databases (ExAC no frequency). This sequence change replaces valine with isoleucine at codon 154 of the ARMC9 protein (p.Val154Ile). The valine residue is moderately conserved and there is a small physicochemical difference between valine and isoleucine. This variant has not been reported in the literature in individuals affected with ARMC9-related conditions. Experimental studies and prediction algorithms are not available or were not evaluated, and the functional significance of this variant is currently unknown. In summary, the available evidence is currently insufficient to determine the role of this variant in disease. Therefore, it has been classified as a Variant of Uncertain Significance.